The following is an entry in ClinVar:

NM_020964.3(EPG5):c.3984-135A>G

Gene: EPG5 (ectopic P-granules 5 autophagy tethering factor; minus strand). Cytogenetic location: 18q21.1.
Variant type: single nucleotide variant.
Coding change: c.3984-135A>G on transcript NM_020964.3 (MANE Select); 135 bases into the intron before coding-DNA position 3984, A replaced by G.
Molecular consequence: intron variant.
Genome position (GRCh38, 1-based): chr18:45,910,877, T>C on the plus strand (A>G on the coding strand, the complement: EPG5 is on the minus strand). VCF-style: chr18-45910877-T-C. GRCh37 (hg19) VCF-style: chr18-43490842-T-C.
Identifiers: ClinVar variation 1678701 (VCV001678701.2), dbSNP rs141858923, ClinGen allele CA299760599.

ClinVar aggregate classification (germline): Likely benign (1 of 4 stars; one submission).

Allele frequency attached by ClinVar (database versions not stated): gnomAD exomes 0.00042; gnomAD 0.00384 and 0.00412; TOPMed 0.00444; 1000 Genomes Project 0.00499; 1000 Genomes Project 30x 0.00515.
gnomAD v4.1: 795 of 637,518 alleles (0.12%); highest among the groups gnomAD compares: African/African-American, 1.3%; no homozygotes.

Submission:

GeneDx
Classification: Likely benign. Last evaluated: 2021-10-19. Review status: criteria provided, single submitter. Criteria: GeneDx Variant Classification Process June 2021. Collection method: clinical testing. Allele origin: germline. Affected: yes.
Comment: See Variant Classification Assertion Criteria.